The following is an entry in ClinVar:

NM_198859.4(PRICKLE2):c.97G>T (p.Ala33Ser)

Genes: PRICKLE2 (prickle planar cell polarity protein 2; minus strand), PRICKLE2-AS3 (PRICKLE2 antisense RNA 3; plus strand). Cytogenetic location: 3p14.1.
Variant type: single nucleotide variant.
Coding change: c.97G>T on transcript NM_198859.4 (MANE Select); coding-DNA position 97, G replaced by T.
Protein change: p.Ala33Ser; replaces alanine 33 with serine.
Molecular consequence: missense variant. On other transcripts: non-coding transcript variant (1).
Genome position (GRCh38, 1-based): chr3:64,198,831, C>A on the plus strand (G>T on the coding strand, the complement: PRICKLE2 is on the minus strand). VCF-style: chr3-64198831-C-A. GRCh37 (hg19) VCF-style: chr3-64184507-C-A.
Other names: c.97G>T (NM_198859.3); c.97G>T, p.Ala33Ser (NM_001370528.1); short protein forms A33S.
Identifiers: ClinVar variation 2085372 (VCV002085372.5), dbSNP rs2471230304, ClinGen allele CA353540989.
Genomic context (GRCh38, chr3:64,198,831, plus strand): 5'-TCCAGAATGGTACCTGTTCAGGCTTCAGACCCGGCGGGACCCAGGCATACTCTTCCAAAG[C>A]ACAGCCTGAGTCATCATCTGAGGTCGAGTTCCTCTGAAAGTCAAACATGAGTTTGCTGAT-3'
Protein context (NP_942559.1, residues 23-43): NSTSDDDSGC[Ala33Ser]LEEYAWVPPG

ClinVar aggregate classification (germline): Uncertain significance. Review status: criteria provided, multiple submitters, no conflicts (2 of 4 stars). 2 submissions from 2 submitters: Uncertain significance (2). Last evaluated 2024-10-01.

Conditions:
Progressive myoclonic epilepsy type 5. Identifiers: Orphanet 402082, MedGen C5190799.

Submissions (2):

Ambry Genetics
Classification: Uncertain significance. Last evaluated: 2024-10-01. Review status: criteria provided, single submitter. Criteria: Ambry Variant Classification Scheme 2023. Collection method: clinical testing. Allele origin: germline.

Labcorp Genetics (formerly Invitae), Labcorp
Classification: Uncertain significance for Progressive myoclonic epilepsy type 5. Last evaluated: 2022-09-22. Review status: criteria provided, single submitter. Criteria: Invitae Variant Classification Sherloc (09022015). Collection method: clinical testing. Allele origin: germline.
Comment: This variant has not been reported in the literature in individuals affected with PRICKLE2-related conditions. In summary, the available evidence is currently insufficient to determine the role of this variant in disease. Therefore, it has been classified as a Variant of Uncertain Significance. Advanced modeling of protein sequence and biophysical properties (such as structural, functional, and spatial information, amino acid conservation, physicochemical variation, residue mobility, and thermodynamic stability) has been performed at Invitae for this missense variant, however the output from this modeling did not meet the statistical confidence thresholds required to predict the impact of this variant on PRICKLE2 protein function. This variant is not present in population databases (gnomAD no frequency). This sequence change replaces alanine, which is neutral and non-polar, with serine, which is neutral and polar, at codon 33 of the PRICKLE2 protein (p.Ala33Ser).